The following is an entry in ClinVar:

ClinVar aggregate classification (germline): Uncertain significance. Review status: criteria provided, multiple submitters, no conflicts (2 of 4 stars). 3 submissions from 3 submitters: Uncertain significance (3). Last evaluated 2026-03-05.

Conditions:
Mowat-Wilson syndrome (MOWS). Also called: Classic Mowat-Wilson Syndrome. Identifiers: Orphanet 2152, MedGen C1856113, MONDO:0009341, OMIM 235730.

Allele frequency attached by ClinVar (database versions not stated): TOPMed below 0.00001.

Submissions (3):

Mendelics
Classification: Uncertain significance for Mowat-Wilson syndrome. Last evaluated: 2026-03-05. Review status: criteria provided, single submitter. Criteria: ACMG Guidelines, 2015. Collection method: clinical testing. Allele origin: unknown.
Comment: The available evidence is insufficient to conclusively determine the role of this variant. Therefore, it is classified as a Variant of Uncertain Significance.

GeneDx
Classification: Uncertain significance. Last evaluated: 2024-04-03. Review status: criteria provided, single submitter. Criteria: GeneDx Variant Classification Process June 2021. Collection method: clinical testing. Allele origin: germline. Affected: yes.
Comment: Not observed at significant frequency in large population cohorts (gnomAD); In silico analysis supports that this missense variant has a deleterious effect on protein structure/function; Has not been previously published as pathogenic or benign to our knowledge; This variant is associated with the following publications: (PMID: 16053902)

Labcorp Genetics (formerly Invitae), Labcorp
Classification: Uncertain significance for Mowat-Wilson syndrome. Last evaluated: 2023-02-03. Review status: criteria provided, single submitter. Criteria: Invitae Variant Classification Sherloc (09022015). Collection method: clinical testing. Allele origin: germline.
Comment: In summary, the available evidence is currently insufficient to determine the role of this variant in disease. Therefore, it has been classified as a Variant of Uncertain Significance. Advanced modeling of protein sequence and biophysical properties (such as structural, functional, and spatial information, amino acid conservation, physicochemical variation, residue mobility, and thermodynamic stability) has been performed at Invitae for this missense variant, however the output from this modeling did not meet the statistical confidence thresholds required to predict the impact of this variant on ZEB2 protein function. This variant has not been reported in the literature in individuals affected with ZEB2-related conditions. This variant is not present in population databases (gnomAD no frequency). This sequence change replaces glutamic acid, which is acidic and polar, with lysine, which is basic and polar, at codon 257 of the ZEB2 protein (p.Glu257Lys).

NM_014795.4(ZEB2):c.769G>A (p.Glu257Lys)

Gene: ZEB2 (zinc finger E-box binding homeobox 2; minus strand). Cytogenetic location: 2q22.3.
Variant type: single nucleotide variant.
Coding change: c.769G>A on transcript NM_014795.4 (MANE Select); coding-DNA position 769, G replaced by A.
Protein change: p.Glu257Lys; replaces glutamic acid 257 with lysine.
Molecular consequence: missense variant.
Genome position (GRCh38, 1-based): chr2:144,403,954, C>T on the plus strand (G>A on the coding strand, the complement: ZEB2 is on the minus strand). VCF-style: chr2-144403954-C-T. GRCh37 (hg19) VCF-style: chr2-145161521-C-T.
Other names: c.697G>A, p.Glu233Lys (NM_001171653.2); short protein forms E233K, E257K.
Identifiers: ClinVar variation 2578238 (VCV002578238.6), dbSNP rs1703347173, ClinGen allele CA348714635.